The following is an entry in ClinVar:

ClinVar aggregate classification (germline): Uncertain significance (1 of 4 stars; one submission).

Conditions:
Neutrophil immunodeficiency syndrome. Also called: Immunodeficiency 73A with defective neutrophil chemotaxis and leukocytosis. Identifiers: Orphanet 183707, MedGen C1842398, MONDO:0011988, OMIM 608203.

Submission:

Labcorp Genetics (formerly Invitae), Labcorp
Classification: Uncertain significance for Neutrophil immunodeficiency syndrome. Last evaluated: 2023-11-13. Review status: criteria provided, single submitter. Criteria: Invitae Variant Classification Sherloc (09022015). Collection method: clinical testing. Allele origin: unknown.
Comment: This variant is a gross deletion of the genomic region encompassing exon(s) 1 of the RAC2 gene, which includes the initiator codon. This deletion extends beyond the assayed region for this gene and therefore may encompass additional genes. It is expected to result in an absent or disrupted protein product. However, the current clinical and genetic evidence is not sufficient to establish whether loss-of-function variants in RAC2 cause disease. This variant has not been reported in the literature in individuals affected with RAC2-related conditions. In summary, the available evidence is currently insufficient to determine the role of this variant in disease. Therefore, it has been classified as a Variant of Uncertain Significance.

NC_000022.10:g.(?_37640134)_(37640188_?)del

Gene: RAC2 (Rac family small GTPase 2; minus strand). Cytogenetic location: 22q13.1.
Variant type: Deletion.
Identifiers: ClinVar variation 3247722 (VCV003247722.1).